The following is an entry in ClinVar:

ClinVar aggregate classification (germline): Conflicting classifications of pathogenicity. Review status: criteria provided, conflicting classifications (1 of 4 stars). 3 submissions from 3 submitters: Likely pathogenic (1); Uncertain significance (1). 1 of the submissions does not count toward it. Last evaluated 2023-09-06.

Conditions:
Rubinstein-Taybi syndrome due to EP300 haploinsufficiency. Also called: EP300-Related Rubinstein-Taybi Syndrome; RUBINSTEIN-TAYBI SYNDROME 2. Identifiers: Orphanet 353284, Orphanet 783, MedGen C3150941, MONDO:0013364, OMIM 613684.
EP300-related disorder. Also called: EP300-related condition; EP300-related disorders.

Submissions (3):

GeneDx
Classification: Uncertain significance. Last evaluated: 2023-09-06. Review status: criteria provided, single submitter. Criteria: GeneDx Variant Classification Process June 2021. Collection method: clinical testing. Allele origin: germline.
Comment: Not observed at significant frequency in large population cohorts (gnomAD); In silico analysis supports that this missense variant has a deleterious effect on protein structure/function; Has not been previously published as pathogenic or benign to our knowledge

Victorian Clinical Genetics Services, Murdoch Childrens Research Institute
Classification: Likely pathogenic for Rubinstein-Taybi syndrome due to EP300 haploinsufficiency. Last evaluated: 2022-02-02. Review status: criteria provided, single submitter. Criteria: ACMG Guidelines, 2015. Collection method: clinical testing. Allele origin: germline. Inheritance: Autosomal dominant inheritance. Affected: yes.
Comment: Based on the classification scheme VCGS_Germline_v1.3.4, this variant is classified as Likely pathogenic. Following criteria are met: 0102 - Loss of function is a known mechanism of disease in this gene and is associated with Rubinstein-Taybi syndrome 2 (RSTS; MIM#613684) and Menke-Hennekam syndrome 2 (MHS2; MIM#618333). Additionally, dominant negative is a suggested mechanism (GeneReviews, PMID: 24381114). Variants reported to cause RSTS are found throughout the protein, whereas of the few variants reported to cause MHS, all were located in exon 31 (PMID: 29460469). (I) 0107 - This gene is associated with autosomal dominant disease. (I) 0115 - Variants in this gene are known to have variable expressivity. Clinical features and developmental outcomes vary considerably between individuals with RSTS, with rare reports of pathogenic variants inherited from asymptomatic or mildly affected parents (GeneReviews). (I) 0200 - Variant is predicted to result in a missense amino acid change from arginine to tryptophan. (I) 0251 - This variant is heterozygous. (I) 0301 - Variant is absent from gnomAD (both v2 and v3). (SP) 0309 - An alternative amino acid change at the same position has been observed in gnomAD (v3; p.(Arg1749Gln), 1 heterozygote). (I) 0501 - Missense variant consistently predicted to be damaging by multiple in silico tools or highly conserved with a major amino acid change. (SP) 0600 - Variant is located in the annotated zf-TAZ domain (DECIPHER). (I) 0705 - No comparable missense variants have previous evidence for pathogenicity. (I) 0809 - Previous evidence of pathogenicity for this variant is inconclusive. The variant has been previously classified as a VUS (LOVD). (I) 0905 - No published segregation evidence has been identified for this variant. (I) 1007 - No published functional evidence has been identified for this variant. (SP) Legend: (SP) - Supporting pathogenic, (I) - Information, (SB) - Supporting benign

PreventionGenetics, part of Exact Sciences
Classification: Uncertain significance for EP300-related condition. Last evaluated: 2024-08-28. Review status: no assertion criteria provided. Collection method: clinical testing. Allele origin: germline. Not counted in ClinVar's aggregate classification.
Comment: The EP300 c.5245C>T variant is predicted to result in the amino acid substitution p.Arg1749Trp. To our knowledge, this variant has not been reported in the literature or in a large population database, indicating this variant is rare. At this time, the clinical significance of this variant is uncertain due to the absence of conclusive functional and genetic evidence.

Literature cited by the submitters: PubMed 24381114 (cited by Victorian Clinical Genetics Services, Murdoch Childrens Research Institute); PubMed 29460469 (cited by Victorian Clinical Genetics Services, Murdoch Childrens Research Institute).

NM_001429.4(EP300):c.5245C>T (p.Arg1749Trp)

Gene: EP300 (EP300 lysine acetyltransferase; plus strand). Cytogenetic location: 22q13.2.
Variant type: single nucleotide variant.
Coding change: c.5245C>T on transcript NM_001429.4 (MANE Select); coding-DNA position 5245, C replaced by T.
Protein change: p.Arg1749Trp; replaces arginine 1749 with tryptophan.
Molecular consequence: missense variant.
Genome position (GRCh38, 1-based): chr22:41,176,956, C>T. VCF-style: chr22-41176956-C-T. GRCh37 (hg19) VCF-style: chr22-41572960-C-T.
Other names: c.5167C>T, p.Arg1723Trp (NM_001362843.2); short protein forms R1723W, R1749W.
Identifiers: ClinVar variation 1699705 (VCV001699705.5), dbSNP rs2145515250, ClinGen allele CA411708526.
Genomic context (GRCh38, chr22:41,176,956, plus strand): 5'-GATTCTCGCCGCCTGAGTATCCAGCGCTGCATCCAGTCTCTGGTCCATGCTTGCCAGTGT[C>T]GGAATGCCAATTGCTCACTGCCATCCTGCCAGAAGATGAAGCGGGTTGTGCAGCATACCA-3'
Protein context (NP_001420.2, residues 1739-1759): IQSLVHACQC[Arg1749Trp]NANCSLPSCQ